The following is an entry in ClinVar:

ClinVar aggregate classification (germline): Uncertain significance (1 of 4 stars; one submission).

Submission:

Labcorp Genetics (formerly Invitae), Labcorp
Classification: Uncertain significance. Last evaluated: 2022-02-19. Review status: criteria provided, single submitter. Criteria: Invitae Variant Classification Sherloc (09022015). Collection method: clinical testing. Allele origin: germline.
Comment: Algorithms developed to predict the effect of sequence changes on RNA splicing suggest that this variant is not likely to affect RNA splicing. This variant has not been reported in the literature in individuals affected with POLE-related conditions. This variant is not present in population databases (gnomAD no frequency). This sequence change replaces alanine, which is neutral and non-polar, with leucine, which is neutral and non-polar, at codon 2040 of the POLE protein (p.Ala2040Leu). In summary, the available evidence is currently insufficient to determine the role of this variant in disease. Therefore, it has been classified as a Variant of Uncertain Significance.

NM_006231.4(POLE):c.6117_6119delinsTCT (p.Ala2040Leu)

Gene: POLE (DNA polymerase epsilon, catalytic subunit; minus strand). Cytogenetic location: 12q24.33.
Variant type: Indel.
Coding change: c.6117_6119delinsTCT on transcript NM_006231.4 (MANE Select); coding-DNA positions 6117 to 6119, GGC replaced by TCT.
Protein change: p.Ala2040Leu; replaces alanine 2040 with leucine.
Molecular consequence: missense variant.
Genome position (GRCh38, 1-based): chr12:132,632,681-132,632,683, GCC replaced by AGA on the plus strand (GGC replaced by TCT on the coding strand, the reverse complement: POLE is on the minus strand). VCF-style: chr12-132632681-GCC-AGA. GRCh37 (hg19) VCF-style: chr12-133209267-GCC-AGA.
Other names: short protein forms A2040L.
Identifiers: ClinVar variation 970023 (VCV000970023.6), dbSNP rs2041958211, ClinGen allele CA1139662972.